The following is an entry in ClinVar:

ClinVar aggregate classification (germline): Uncertain significance (1 of 4 stars; one submission).

Conditions:
Compton-North congenital myopathy (CMYO12). Identifiers: Orphanet 210163, MedGen C2675527, MONDO:0012929, OMIM 612540.

Allele frequency attached by ClinVar (database versions not stated): ExAC 0.00001; gnomAD exomes 0.00001; TOPMed 0.00001.
gnomAD v4.1: 4 of 1,607,918 alleles (0.00025%); highest among the groups gnomAD compares: Non-Finnish European, 0.00026%; no homozygotes.

Submission:

Labcorp Genetics (formerly Invitae), Labcorp
Classification: Uncertain significance for Compton-North congenital myopathy. Last evaluated: 2022-05-31. Review status: criteria provided, single submitter. Criteria: Invitae Variant Classification Sherloc (09022015). Collection method: clinical testing. Allele origin: germline.
Comment: This sequence change replaces valine, which is neutral and non-polar, with isoleucine, which is neutral and non-polar, at codon 146 of the CNTN1 protein (p.Val146Ile). This variant is present in population databases (rs778263271, gnomAD 0.004%). This variant has not been reported in the literature in individuals affected with CNTN1-related conditions. Advanced modeling of protein sequence and biophysical properties (such as structural, functional, and spatial information, amino acid conservation, physicochemical variation, residue mobility, and thermodynamic stability) performed at Invitae indicates that this missense variant is not expected to disrupt CNTN1 protein function. In summary, the available evidence is currently insufficient to determine the role of this variant in disease. Therefore, it has been classified as a Variant of Uncertain Significance.

NM_001843.4(CNTN1):c.436G>A (p.Val146Ile)

Gene: CNTN1 (contactin 1; plus strand). Cytogenetic location: 12q12.
Variant type: single nucleotide variant.
Coding change: c.436G>A on transcript NM_001843.4 (MANE Select); coding-DNA position 436, G replaced by A.
Protein change: p.Val146Ile; replaces valine 146 with isoleucine.
Molecular consequence: missense variant.
Genome position (GRCh38, 1-based): chr12:40,924,592, G>A. VCF-style: chr12-40924592-G-A. GRCh37 (hg19) VCF-style: chr12-41318394-G-A.
Other names: c.436G>A, p.Val146Ile (NM_001256064.2, NM_001256063.2); c.403G>A, p.Val135Ile (NM_175038.2); short protein forms V135I, V146I.
Identifiers: ClinVar variation 2165363 (VCV002165363.1), dbSNP rs778263271, ClinGen allele CA6516616.